The following is an entry in ClinVar:

ClinVar aggregate classification (germline): Conflicting classifications of pathogenicity. Review status: criteria provided, conflicting classifications (1 of 4 stars). 15 submissions from 12 submitters: Uncertain significance (10); Benign (3); Likely benign (1). 1 of the submissions does not count toward it. Last evaluated 2026-07-30.

Conditions:
RET-related disorder. Also called: RET-related condition; RET-related disease; RET-related disorders.
Multiple endocrine neoplasia, type 2 (MEN2). Identifiers: Orphanet 653, MedGen C4048306, MONDO:0019003. Disease mechanism: gain of function.
Microcephaly. Also called: Microcephaly (disease). Identifiers: MedGen C4551563, MONDO:0001149, HP:0000252.
Hirschsprung disease, susceptibility to, 1 (HSCR1). Also called: RET-Related Hirschsprung Disease. Identifiers: Orphanet 388, MedGen C3888239, MONDO:0007723, OMIM 142623.
Familial medullary thyroid carcinoma (MTC). Also called: Thyroid cancer, familial medullary; MTC, familial; Familial Medullary Thyroid Carcinoma (FMTC). Identifiers: Orphanet 653, Orphanet 99361, MedGen C1833921, MONDO:0007958, OMIM 155240.
Pheochromocytoma. Also called: MAX-Related Hereditary Paraganglioma-Pheochromocytoma Syndrome. Identifiers: Orphanet 29072, MedGen C0031511, MONDO:0008233, OMIM 171300, HP:0002666.
Multiple endocrine neoplasia type 2A. Also called: Multiple Endocrine Neoplasia Type 2A (MEN2A); MULTIPLE ENDOCRINE NEOPLASIA, TYPE IIA; PTC SYNDROME; SIPPLE SYNDROME; MEN 2A; MEN-2A syndrome. Identifiers: Orphanet 247698, Orphanet 653, MedGen C0025268, MeSH D018813, MONDO:0008234, OMIM 171400.
Multiple endocrine neoplasia type 2B. Also called: Multiple endocrine neoplasia, type 3; MEN 2B; MEN IIB; NEUROMATA, MUCOSAL, WITH ENDOCRINE TUMORS; Multiple Endocrine Neoplasia Type 2B (MEN2B); WAGENMANN-FROBOESE SYNDROME. Identifiers: Orphanet 247709, Orphanet 653, MedGen C0025269, MeSH D018814, MONDO:0008082, OMIM 162300.
Renal hypodysplasia/aplasia 1 (RHDA1). Also called: RENAL APLASIA; HEREDITARY RENAL APLASIA. Identifiers: Orphanet 411709, MedGen C1619700, MONDO:0024519, OMIM 191830.
Multiple endocrine neoplasia. Identifiers: Orphanet 276161, MedGen C0027662, MONDO:0017169.
Hereditary cancer-predisposing syndrome. Also called: Hereditary neoplastic syndrome; Tumor predisposition; Neoplastic Syndromes, Hereditary; Hereditary Cancer Syndrome. Identifiers: Orphanet 140162, MedGen C0027672, MeSH D009386, MONDO:0015356.
Ovarian cancer. Also called: OVARIAN CANCER, SOMATIC. Identifiers: Orphanet 213500, MedGen C1140680, MONDO:0008170, OMIM 167000.

Allele frequency attached by ClinVar (database versions not stated): gnomAD 0.00001 and 0.00003; gnomAD exomes 0.00002 and 0.00004; TOPMed 0.00002; ExAC 0.00004; 1000 Genomes Project 30x 0.00016; 1000 Genomes Project 0.00020.
gnomAD v4.1: 27 of 1,561,636 alleles (0.0017%); highest among the groups gnomAD compares: East Asian, 0.057%; no homozygotes.

Submissions (15):

PreventionGenetics, part of Exact Sciences
Classification: Uncertain significance for RET-related condition. Last evaluated: 2026-07-30. Review status: criteria provided, single submitter. Criteria: ACMG Guidelines, 2015. Collection method: clinical testing. Allele origin: germline.
Comment: The RET c.1618A>G variant is predicted to result in the amino acid substitution p.Arg540Gly. To our knowledge, this variant has not been reported in the literature in individuals with RET-associated conditions. This variant is reported in 0.057% of alleles in individuals of East Asian descent in gnomAD and is interpreted as uncertain and likely benign in ClinVar (Variation ID: 299894). At this time, the clinical significance of this variant is uncertain due to the absence of conclusive functional and genetic evidence.

Labcorp Genetics (formerly Invitae), Labcorp
Classification: Uncertain significance for Multiple endocrine neoplasia, type 2. Last evaluated: 2026-01-20. Review status: criteria provided, single submitter. Criteria: Invitae Variant Classification Sherloc (09022015). Collection method: clinical testing. Allele origin: germline.
Comment: This sequence change replaces arginine, which is basic and polar, with glycine, which is neutral and non-polar, at codon 540 of the RET protein (p.Arg540Gly). This variant is present in population databases (rs543376293, gnomAD 0.06%). This variant has not been reported in the literature in individuals affected with RET-related conditions. ClinVar contains an entry for this variant (Variation ID: 299894). An algorithm developed to predict the effect of missense changes on protein structure and function (PolyPhen-2) suggests that this variant is likely to be tolerated. In summary, the available evidence is currently insufficient to determine the role of this variant in disease. Therefore, it has been classified as a Variant of Uncertain Significance.

Color Diagnostics, LLC DBA Color Health
Classification: Benign for Multiple endocrine neoplasia, type 2. Last evaluated: 2025-06-02. Review status: criteria provided, single submitter. Criteria: ACMG Guidelines, 2015. Collection method: clinical testing. Allele origin: germline.

Quest Diagnostics Nichols Institute San Juan Capistrano
Classification: Uncertain significance. Last evaluated: 2025-02-28. Review status: criteria provided, single submitter. Criteria: Quest Diagnostics criteria. Collection method: clinical testing. Allele origin: unknown.

Myriad Genetics, Inc.
Classification: Likely benign for Multiple endocrine neoplasia type 2A. Last evaluated: 2024-08-09. Review status: criteria provided, single submitter. Criteria: Myriad Autosomal Dominant, Autosomal Recessive and X-Linked Classification Criteria (2023). Collection method: clinical testing. Allele origin: unknown.
Comment: This variant is considered likely benign. This variant has been observed at a population frequency that is significantly greater than expected given the associated disease prevalence and penetrance.

All of Us Research Program, National Institutes of Health
Classification: Uncertain significance for Multiple endocrine neoplasia, type 2. Last evaluated: 2024-02-05. Review status: criteria provided, single submitter. Criteria: ACMG Guidelines, 2015. Collection method: clinical testing. Allele origin: germline. Inheritance: Autosomal dominant inheritance. Observed: 7 variant alleles, 7 heterozygotes.
Comment: This missense variant replaces arginine with glycine at codon 540 of the RET protein. Computational prediction is inconclusive regarding the impact of this variant on protein structure and function (internally defined REVEL score threshold 0.5 < inconclusive < 0.7, PMID: 27666373). To our knowledge, functional studies have not been reported for this variant. This variant has not been reported as a germline mutation in individuals affected with RET-related cancer in the literature. This variant has been reported in an individual with a congenital or developmental phenotype (PMID: 32164334) and in two healthy individuals (PMID: 30217742). This variant has been identified in 7/166688 chromosomes in the general population by the Genome Aggregation Database (gnomAD). Although there is a suspicion that this variant may not be associated with disease, additional studies are necessary to determine the role of this variant in disease conclusively. Therefore, this variant is classified as a Variant of Uncertain Significance.

This study involves interpretation of variants in research participants for the purpose of population health screening. Participant phenotype was not available at the time of variant classification. Additional details can be found in publication PMID: 35346344, PMCID: PMC8962531

Fulgent Genetics
Classification: Uncertain significance for Hirschsprung disease, susceptibility to, 1; Familial medullary thyroid carcinoma; Multiple endocrine neoplasia type 2B; Pheochromocytoma; Multiple endocrine neoplasia type 2A. Last evaluated: 2022-02-14. Review status: criteria provided, single submitter. Criteria: ACMG Guidelines, 2015. Collection method: clinical testing. Allele origin: unknown.

Laboratory of Molecular Epidemiology of Birth Defects, West China Second University Hospital, Sichuan University
Classification: Benign for Ovarian cancer. Last evaluated: 2022-01-01. Review status: criteria provided, single submitter. Criteria: ACMG Guidelines, 2015. Collection method: clinical testing. Allele origin: germline. Affected: yes.

Sema4
Classification: Uncertain significance for Hereditary cancer-predisposing syndrome. Last evaluated: 2021-12-27. Review status: criteria provided, single submitter. Criteria: Sema4 Curation Guidelines. Collection method: curation. Allele origin: germline.
Comment: The RET c.1618A>G (p.R540G) variant has been reported has been reported in at least one individual with congenital anomalies of the kidney and urinary tract, renal hypodysplasia. It was observed in 7/12336 chromosomes in the East Asian subpopulation according to the Genome Aggregation Database (PMID: 32461654). This variant has been reported in ClinVar (Variation ID: 299894). Functional studies have not been performed, and in silico predictions of the variant's effect on protein function are inconclusive. The evidence is insufficient to meet ACMG/AMP criteria for classifying the variant as benign or pathogenic. Thus, the clinical significance of this variant is currently uncertain.

Ambry Genetics
Classification: Benign for Hereditary cancer-predisposing syndrome. Last evaluated: 2021-09-08. Review status: criteria provided, single submitter. Criteria: Ambry Variant Classification Scheme 2023. Collection method: clinical testing. Allele origin: germline.

Illumina Laboratory Services, Illumina
Classification: Uncertain significance for Multiple endocrine neoplasia. Last evaluated: 2018-01-13. Review status: criteria provided, single submitter. Criteria: ICSL Variant Classification Criteria 13 December 2019. Collection method: clinical testing. Allele origin: germline.

Illumina Laboratory Services, Illumina
Classification: Uncertain significance for Renal hypodysplasia/aplasia 1. Last evaluated: 2018-01-13. Review status: criteria provided, single submitter. Criteria: ICSL Variant Classification Criteria 13 December 2019. Collection method: clinical testing. Allele origin: germline.

Illumina Laboratory Services, Illumina
Classification: Uncertain significance for Hirschsprung disease, susceptibility to, 1. Last evaluated: 2018-01-13. Review status: criteria provided, single submitter. Criteria: ICSL Variant Classification Criteria 13 December 2019. Collection method: clinical testing. Allele origin: germline.

Illumina Laboratory Services, Illumina
Classification: Uncertain significance for Pheochromocytoma. Last evaluated: 2018-01-13. Review status: criteria provided, single submitter. Criteria: ICSL Variant Classification Criteria 13 December 2019. Collection method: clinical testing. Allele origin: germline.

Department of Pediatrics, Samsung Medical Center, Samsung Medical Center
Classification: Uncertain significance for Microcephaly. Review status: no assertion criteria provided. Criteria: ACMG Guidelines, 2015. Collection method: research. Allele origin: germline. Affected: yes. Not counted in ClinVar's aggregate classification.

Literature cited by the submitters: PubMed 30217742 (cited by All of Us Research Program, National Institutes of Health and Ambry Genetics); PubMed 32164334 (cited by All of Us Research Program, National Institutes of Health and Ambry Genetics).

NM_020975.6(RET):c.1618A>G (p.Arg540Gly)

Gene: RET (ret proto-oncogene; plus strand). Cytogenetic location: 10q11.21.
Variant type: single nucleotide variant.
Coding change: c.1618A>G on transcript NM_020975.6 (MANE Select); coding-DNA position 1618, A replaced by G.
Protein change: p.Arg540Gly; replaces arginine 540 with glycine.
Molecular consequence: missense variant.
Genome position (GRCh38, 1-based): chr10:43,112,194, A>G. VCF-style: chr10-43112194-A-G. GRCh37 (hg19) VCF-style: chr10-43607642-A-G.
Other names: c.1618A>G, p.Arg540Gly (NM_000323.2, NM_001406743.1, NM_001406744.1 and 6 more transcripts); c.856A>G, p.Arg286Gly (NM_001355216.2); c.1489A>G, p.Arg497Gly (NM_001406761.1, NM_001406762.1, NM_001406764.1 and 1 more transcripts); c.1180A>G, p.Arg394Gly (NM_001406773.1, NM_001406771.1); c.1093A>G, p.Arg365Gly (NM_001406774.1); c.892A>G, p.Arg298Gly (NM_001406775.1, NM_001406776.1, NM_001406777.1 and 1 more transcripts); c.721A>G, p.Arg241Gly (NM_001406779.1, NM_001406780.1, NM_001406781.1 and 3 more transcripts); c.592A>G, p.Arg198Gly (NM_001406783.1, NM_001406786.1); and 5 more; short protein forms R540G, R286G, R210G, R198G, R298G, R241G, R408G, R497G.
Identifiers: ClinVar variation 299894 (VCV000299894.27), dbSNP rs543376293, ClinGen allele CA034653.